The following is an entry in ClinVar:

ClinVar aggregate classification (germline): Benign/Likely benign. Review status: criteria provided, multiple submitters, no conflicts (2 of 4 stars). 4 submissions from 4 submitters: Benign (1); Likely benign (3). Last evaluated 2024-12-31.

Conditions:
Hereditary nonpolyposis colorectal neoplasms. Identifiers: MedGen C0009405, MeSH D003123.
Lynch syndrome 5 (LYNCH5). Also called: Colorectal cancer, hereditary nonpolyposis, type 5; Hereditary non-polyposis colorectal cancer, type 5. Identifiers: Orphanet 144, MedGen C1833477, MONDO:0013710, OMIM 614350. Disease mechanism: loss of function.
Hereditary cancer-predisposing syndrome. Also called: Neoplastic Syndromes, Hereditary; Tumor predisposition; Hereditary Cancer Syndrome; Hereditary neoplastic syndrome. Identifiers: Orphanet 140162, MedGen C0027672, MeSH D009386, MONDO:0015356.

Submissions (4):

Myriad Genetics, Inc.
Classification: Benign for Lynch syndrome 5. Last evaluated: 2024-12-31. Review status: criteria provided, single submitter. Criteria: Myriad Autosomal Dominant, Autosomal Recessive and X-Linked Classification Criteria (2023). Collection method: clinical testing. Allele origin: unknown.
Comment: This variant is considered benign. This variant is a silent/synonymous amino acid change and it is not expected to impact splicing.

Labcorp Genetics (formerly Invitae), Labcorp
Classification: Likely benign for Hereditary nonpolyposis colorectal neoplasms. Last evaluated: 2024-05-21. Review status: criteria provided, single submitter. Criteria: Invitae Variant Classification Sherloc (09022015). Collection method: clinical testing. Allele origin: germline.

Color Diagnostics, LLC DBA Color Health
Classification: Likely benign for Hereditary cancer-predisposing syndrome. Last evaluated: 2019-01-07. Review status: criteria provided, single submitter. Criteria: ACMG Guidelines, 2015. Collection method: clinical testing. Allele origin: germline.

Ambry Genetics
Classification: Likely benign for Hereditary cancer-predisposing syndrome. Last evaluated: 2015-12-29. Review status: criteria provided, single submitter. Criteria: Ambry Variant Classification Scheme 2023. Collection method: clinical testing. Allele origin: germline.

NM_000179.3(MSH6):c.2562G>A (p.Lys854=)

Gene: MSH6 (mutS homolog 6; plus strand). Cytogenetic location: 2p16.3.
Variant type: single nucleotide variant.
Coding change: c.2562G>A on transcript NM_000179.3 (MANE Select); coding-DNA position 2562, G replaced by A.
Protein change: p.Lys854=; no amino-acid change (lysine 854 retained).
Molecular consequence: synonymous variant.
Genome position (GRCh38, 1-based): chr2:47,800,545, G>A. VCF-style: chr2-47800545-G-A. GRCh37 (hg19) VCF-style: chr2-48027684-G-A.
Other names: c.2172G>A, p.Lys724= (NM_001281492.2); c.1656G>A, p.Lys552= (NM_001281493.2, NM_001281494.2).
Identifiers: ClinVar variation 923375 (VCV000923375.13), dbSNP rs759048538, ClinGen allele CA426121572.